The following is an entry in ClinVar:

ClinVar aggregate classification (germline): Pathogenic/Likely pathogenic. Review status: criteria provided, multiple submitters, no conflicts (2 of 4 stars). 4 submissions from 4 submitters: Pathogenic (2); Likely pathogenic (1). 1 of the submissions does not count toward it. Last evaluated 2025-04-14.

Conditions:
Glutaric aciduria, type 1. Also called: GA I; Glutaryl-CoA dehydrogenase deficiency; Glutaric acidemia type I; Glutaricacidemia Type 1; Glutaricaciduria, type I; Glutaric Acidemia Type 1. Identifiers: Orphanet 25, MedGen C0268595, MONDO:0009281, OMIM 231670.

gnomAD v4.1: 8 of 1,614,098 alleles (0.0005%); highest among the groups gnomAD compares: Non-Finnish European, 0.00059%; no homozygotes.

Submissions (4):

Natera, Inc.
Classification: Pathogenic for Glutaric acidemia type 1. Last evaluated: 2025-04-14. Review status: criteria provided, single submitter. Criteria: Natera Variant Classification Schema (03/2026). Collection method: clinical testing. Allele origin: germline.
Comment: The c.172G>T variant in GCDH is a nonsense variant predicted to introduce a stop codon at amino acid 58. This variant is expected to result in nonsense mediated decay, truncation, or a dysfunctional protein product. This variant is rare in the general population with a frequency below the threshold expected for the associated phenotype(s). This variant has been observed in one or more individuals affected with the associated recessive disease, as either homozygous or compound heterozygous with a second variant (PMID: 35822093). Given the available evidence, this variant is classified as Pathogenic.

Labcorp Genetics (formerly Invitae), Labcorp
Classification: Pathogenic for Glutaric aciduria, type 1. Last evaluated: 2024-12-16. Review status: criteria provided, single submitter. Criteria: Invitae Variant Classification Sherloc (09022015). Collection method: clinical testing. Allele origin: germline.
Comment: This sequence change creates a premature translational stop signal (p.Glu58*) in the GCDH gene. It is expected to result in an absent or disrupted protein product. Loss-of-function variants in GCDH are known to be pathogenic (PMID: 10699052, 11854167, 16602100). This variant is not present in population databases (gnomAD no frequency). This variant has not been reported in the literature in individuals affected with GCDH-related conditions. ClinVar contains an entry for this variant (Variation ID: 370338). For these reasons, this variant has been classified as Pathogenic.

Baylor Genetics
Classification: Likely pathogenic for Glutaric aciduria, type 1. Last evaluated: 2023-10-03. Review status: criteria provided, single submitter. Criteria: ACMG Guidelines, 2015. Collection method: clinical testing. Allele origin: unknown.

Counsyl
Classification: Likely pathogenic for Glutaric aciduria, type 1. Last evaluated: 2016-01-18. Review status: no assertion criteria provided. Collection method: clinical testing. Allele origin: unknown. Not counted in ClinVar's aggregate classification.

Literature cited by the submitters: PubMed 35822093 (cited by Natera, Inc.); PubMed 10699052 (cited by Labcorp Genetics (formerly Invitae), Labcorp); PubMed 11854167 (cited by Labcorp Genetics (formerly Invitae), Labcorp); PubMed 16602100 (cited by Labcorp Genetics (formerly Invitae), Labcorp).

NM_000159.4(GCDH):c.172G>T (p.Glu58Ter)

Genes: GCDH (glutaryl-CoA dehydrogenase; plus strand), LOC117125594 (CRISPRi-FlowFISH-validated KLF1 regulatory element; plus strand). Cytogenetic location: 19p13.13.
Variant type: single nucleotide variant.
Coding change: c.172G>T on transcript NM_000159.4 (MANE Select); coding-DNA position 172, G replaced by T.
Protein change: p.Glu58Ter; replaces glutamic acid 58 with a stop codon.
Molecular consequence: nonsense. On other transcripts: non-coding transcript variant (2).
Genome position (GRCh38, 1-based): chr19:12,891,875, G>T. VCF-style: chr19-12891875-G-T. GRCh37 (hg19) VCF-style: chr19-13002689-G-T.
Other names: c.172G>T (NM_000159.3); c.172G>T, p.Glu58Ter (NM_013976.5); short protein forms E58*.
Identifiers: ClinVar variation 370338 (VCV000370338.10), dbSNP rs1006150317, ClinGen allele CA16041963.
Genomic context (GRCh38, chr19:12,891,875, plus strand): 5'-GAATTCCCCTTCCCAGCCTCGCGTCCCGAGTTTGACTGGCAGGACCCGCTGGTGCTGGAG[G>T]AGCAGCTGACCACAGATGAGATCCTCATCAGGGACACCTTCCGCACCTACTGCCAGGAGA-3'